The following is an entry in ClinVar:

ClinVar aggregate classification (germline): Likely benign (1 of 4 stars; one submission).

Conditions:
Ehlers-Danlos syndrome, type 4 (EDSVASC). Also called: Ehlers-Danlos syndrome vascular type; Ehlers Danlos syndrome, ecchymotic type; Ehlers Danlos syndrome, arterial type; Ehlers Danlos syndrome, Sack-Barabas type; Ehlers-Danlos Syndrome Type IV. Identifiers: Orphanet 286, MedGen C0268338, MONDO:0017314, OMIM 130050.

Submission:

All of Us Research Program, National Institutes of Health
Classification: Likely benign for Ehlers-Danlos syndrome, type 4. Last evaluated: 2024-07-20. Review status: criteria provided, single submitter. Criteria: ACMG Guidelines, 2015. Collection method: clinical testing. Allele origin: germline. Inheritance: Autosomal dominant inheritance. Observed: 1 variant allele, 1 heterozygote.
Comment: This study involves interpretation of variants in research participants for the purpose of population health screening. Participant phenotype was not available at the time of variant classification. Additional details can be found in publication PMID: 35346344, PMCID: PMC8962531

NM_000090.4(COL3A1):c.2751T>C (p.Pro917=)

Gene: COL3A1 (collagen type III alpha 1 chain; plus strand). Cytogenetic location: 2q32.2.
Variant type: single nucleotide variant.
Coding change: c.2751T>C on transcript NM_000090.4 (MANE Select); coding-DNA position 2751, T replaced by C.
Protein change: p.Pro917=; no amino-acid change (proline 917 retained).
Molecular consequence: synonymous variant.
Genome position (GRCh38, 1-based): chr2:189,004,071, T>C. VCF-style: chr2-189004071-T-C. GRCh37 (hg19) VCF-style: chr2-189868797-T-C.
Identifiers: ClinVar variation 3386474 (VCV003386474.1).